The following is an entry in ClinVar:

NM_183357.3(ADCY5):c.146C>T (p.Ser49Phe)

Gene: ADCY5 (adenylate cyclase 5; minus strand). Cytogenetic location: 3q21.1.
Variant type: single nucleotide variant.
Coding change: c.146C>T on transcript NM_183357.3 (MANE Select); coding-DNA position 146, C replaced by T.
Protein change: p.Ser49Phe; replaces serine 49 with phenylalanine.
Molecular consequence: missense variant.
Genome position (GRCh38, 1-based): chr3:123,448,400, G>A on the plus strand (C>T on the coding strand, the complement: ADCY5 is on the minus strand). VCF-style: chr3-123448400-G-A. GRCh37 (hg19) VCF-style: chr3-123167247-G-A.
Other names: c.146C>T (NM_183357.2); c.146C>T, p.Ser49Phe (NM_001378259.1); short protein forms S49F.
Identifiers: ClinVar variation 1409336 (VCV001409336.41), dbSNP rs762609054, ClinGen allele CA2577737.
Genomic context (GRCh38, chr3:123,448,400, plus strand): 5'-AGGCGCTGCTGCTGCTGCGGGGTCACCGCCCCCCCGGGTTTCTTGGTGGAGCCGCGGGCA[G>A]AGCCCCCGGGGGCATGGGGGTAGCCATTCGCGCGGGAATCGGCCTCGCCCCACGCAGAGC-3'
Protein context (NP_899200.1, residues 39-59): ANGYPHAPGG[Ser49Phe]ARGSTKKPGG

ClinVar aggregate classification (germline): Conflicting classifications of pathogenicity. Review status: criteria provided, conflicting classifications (1 of 4 stars). 5 submissions from 5 submitters: Uncertain significance (3); Likely benign (2). Last evaluated 2025-08-04.

Conditions:
Inborn genetic diseases. Identifiers: MedGen C0950123, MeSH D030342.

Allele frequency attached by ClinVar (database versions not stated): gnomAD 0.00001; TOPMed 0.00001; gnomAD exomes 0.00003 and 0.00004.
gnomAD v4.1: 43 of 1,436,672 alleles (0.003%); highest among the groups gnomAD compares: Middle Eastern, 0.024%; no homozygotes.

Submissions (5):

Labcorp Genetics (formerly Invitae), Labcorp
Classification: Likely benign. Last evaluated: 2025-08-04. Review status: criteria provided, single submitter. Criteria: Invitae Variant Classification Sherloc (09022015). Collection method: clinical testing. Allele origin: germline.

Women's Health and Genetics/Laboratory Corporation of America, LabCorp
Classification: Likely benign. Last evaluated: 2025-03-26. Review status: criteria provided, single submitter. Criteria: LabCorp Variant Classification Summary - May 2015. Collection method: clinical testing. Allele origin: germline.
Comment: Variant summary: ADCY5 c.146C>T (p.Ser49Phe) results in a non-conservative amino acid change in the encoded protein sequence. Three of four in-silico tools predict a benign effect of the variant on protein function. The variant allele was found at a frequency of 3e-05 in 1436672 control chromosomes, predominantly at a frequency of 3.5e-05 within the Non-Finnish European subpopulation in the gnomAD database. The observed variant frequency within Non-Finnish European control individuals in the gnomAD v4 database is approximately 35 fold of the estimated maximal expected allele frequency for a pathogenic variant in ADCY5 causing Familial Dyskinesia With Facial Myokymia phenotype (1e-06). To our knowledge, no occurrence of c.146C>T in individuals affected with Familial Dyskinesia With Facial Myokymia and no experimental evidence demonstrating its impact on protein function have been reported. ClinVar contains an entry for this variant (Variation ID: 1409336). Based on the evidence outlined above, the variant was classified as likely benign.

Ambry Genetics
Classification: Uncertain significance for Inborn genetic diseases. Last evaluated: 2024-01-29. Review status: criteria provided, single submitter. Criteria: Ambry Variant Classification Scheme 2023. Collection method: clinical testing. Allele origin: germline.

CeGaT Center for Human Genetics Tuebingen
Classification: Uncertain significance. Last evaluated: 2022-01-01. Review status: criteria provided, single submitter. Criteria: CeGaT Center For Human Genetics Tuebingen Variant Classification Criteria Version 2. Collection method: clinical testing. Allele origin: germline. Affected: yes. Observed: 1 variant allele.

Breakthrough Genomics
Classification: Uncertain significance. Review status: criteria provided, single submitter. Criteria: ACMG Guidelines, 2015. Collection method: not provided. Allele origin: germline. Inheritance: Autosomal recessive inheritance. Affected: yes.